The following is an entry in ClinVar:

NM_012210.4(TRIM32):c.*1152A>G

Genes: ASTN2 (astrotactin 2; minus strand), TRIM32 (tripartite motif containing 32; plus strand). Cytogenetic location: 9q33.1.
Variant type: single nucleotide variant.
Coding change: c.*1152A>G on transcript NM_012210.4 (MANE Select); 1152 bases downstream of the stop codon, A replaced by G.
Molecular consequence: 3 prime UTR variant. On other transcripts: intron variant (3).
Genome position (GRCh38, 1-based): chr9:116,700,856, A>G. VCF-style: chr9-116700856-A-G. GRCh37 (hg19) VCF-style: chr9-119463135-A-G.
Other names: c.*1152A>G (NM_001099679.2, NM_001379048.1, NM_001379049.1 and 1 more transcripts); c.2653+24915T>C (NM_014010.5); c.2794+24915T>C (NM_001365069.1); c.2806+24915T>C (NM_001365068.1).
Identifiers: ClinVar variation 914381 (VCV000914381.32), dbSNP rs557939030, ClinGen allele CA198772783.

ClinVar aggregate classification (germline): Conflicting classifications of pathogenicity. Review status: criteria provided, conflicting classifications (1 of 4 stars). 3 submissions from 2 submitters: Uncertain significance (2); Likely benign (1). Last evaluated 2023-01-01.

Conditions:
Sarcotubular myopathy (LGMDR8). Also called: Limb-girdle muscular dystrophy, type 2H; Hutterite type of muscular dystrophy; MUSCULAR DYSTROPHY, LIMB-GIRDLE, AUTOSOMAL RECESSIVE 8; Autosomal recessive limb-girdle muscular dystrophy type 2H. Identifiers: Orphanet 1878, MedGen C0270968, MONDO:0009683, OMIM 254110.
Bardet-Biedl syndrome 11 (BBS11). Identifiers: Orphanet 110, MedGen C1859569, MONDO:0014439, OMIM 615988.

Allele frequency attached by ClinVar (database versions not stated): 1000 Genomes Project 30x 0.00016; 1000 Genomes Project 0.00020; TOPMed 0.00182; gnomAD 0.00188 and 0.00190.

Submissions (3):

CeGaT Center for Human Genetics Tuebingen
Classification: Likely benign. Last evaluated: 2023-01-01. Review status: criteria provided, single submitter. Criteria: CeGaT Center For Human Genetics Tuebingen Variant Classification Criteria Version 2. Collection method: clinical testing. Allele origin: germline. Affected: yes. Observed: 1 variant allele.
Comment: ASTN2: BS1

Illumina Laboratory Services, Illumina
Classification: Uncertain significance for Sarcotubular myopathy. Last evaluated: 2018-01-13. Review status: criteria provided, single submitter. Criteria: ICSL Variant Classification Criteria 13 December 2019. Collection method: clinical testing. Allele origin: germline.

Illumina Laboratory Services, Illumina
Classification: Uncertain significance for Bardet-Biedl syndrome 11. Last evaluated: 2018-01-13. Review status: criteria provided, single submitter. Criteria: ICSL Variant Classification Criteria 13 December 2019. Collection method: clinical testing. Allele origin: germline.